The following is an entry in ClinVar:

ClinVar aggregate classification (germline): Benign/Likely benign. Review status: criteria provided, multiple submitters, no conflicts (2 of 4 stars). 3 submissions from 3 submitters: Benign (1); Likely benign (2). Last evaluated 2025-06-07.

Conditions:
Hereditary cancer-predisposing syndrome. Also called: Tumor predisposition; Neoplastic Syndromes, Hereditary; Hereditary neoplastic syndrome; Hereditary Cancer Syndrome. Identifiers: Orphanet 140162, MedGen C0027672, MeSH D009386, MONDO:0015356.
Multiple endocrine neoplasia, type 1 (MEN1). Also called: MEN I; WERMER SYNDROME; Endocrine adenomatosis multiple; MEN 1; MEA I. Identifiers: Orphanet 652, MedGen C0025267, MeSH D018761, MONDO:0007540, OMIM 131100.

Submissions (3):

Ambry Genetics
Classification: Likely benign for Hereditary cancer-predisposing syndrome. Last evaluated: 2025-06-07. Review status: criteria provided, single submitter. Criteria: Ambry Variant Classification Scheme 2023. Collection method: clinical testing. Allele origin: germline.

Myriad Genetics, Inc.
Classification: Benign for Multiple endocrine neoplasia, type 1. Last evaluated: 2024-11-05. Review status: criteria provided, single submitter. Criteria: Myriad Autosomal Dominant, Autosomal Recessive and X-Linked Classification Criteria (2023). Collection method: clinical testing. Allele origin: unknown.
Comment: This variant is considered benign. This variant is a silent/synonymous amino acid change and it is not expected to impact splicing.

Labcorp Genetics (formerly Invitae), Labcorp
Classification: Likely benign for Multiple endocrine neoplasia, type 1. Last evaluated: 2023-09-30. Review status: criteria provided, single submitter. Criteria: Invitae Variant Classification Sherloc (09022015). Collection method: clinical testing. Allele origin: germline.

NM_001370259.2(MEN1):c.1509C>T (p.Gly503=)

Gene: MEN1 (menin 1; minus strand). Cytogenetic location: 11q13.1.
Variant type: single nucleotide variant.
Coding change: c.1509C>T on transcript NM_001370259.2 (MANE Select); coding-DNA position 1509, C replaced by T.
Protein change: p.Gly503=; no amino-acid change (glycine 503 retained).
Molecular consequence: synonymous variant. On other transcripts: non-coding transcript variant (4).
Genome position (GRCh38, 1-based): chr11:64,804,658, G>A on the plus strand (C>T on the coding strand, the complement: MEN1 is on the minus strand). VCF-style: chr11-64804658-G-A. GRCh37 (hg19) VCF-style: chr11-64572130-G-A.
Other names: c.1524C>T, p.Gly508= (NM_000244.4, NM_001407145.1, NM_130800.3 and 4 more transcripts); c.1635C>T, p.Gly545= (NM_001370251.2, NM_001407142.1, NM_001407143.1 and 1 more transcripts); c.1509C>T, p.Gly503= (NM_001370260.2, NM_001370261.2, NM_001407146.1 and 2 more transcripts); c.1404C>T, p.Gly468= (NM_001370262.2, NM_001370263.2, NM_001407148.1 and 1 more transcripts); c.1650C>T, p.Gly550= (NM_001407150.1); c.1530C>T, p.Gly510= (NM_001407151.1); c.1344C>T, p.Gly448= (NM_001407152.1).
Identifiers: ClinVar variation 1909236 (VCV001909236.7), dbSNP rs2497118734, ClinGen allele CA475163066.